The following is an entry in ClinVar:

NM_015272.5(RPGRIP1L):c.233T>C (p.Met78Thr)

Gene: RPGRIP1L (RPGRIP1 like; minus strand). Cytogenetic location: 16q12.2.
Variant type: single nucleotide variant.
Coding change: c.233T>C on transcript NM_015272.5 (MANE Select); coding-DNA position 233, T replaced by C.
Protein change: p.Met78Thr; replaces methionine 78 with threonine.
Molecular consequence: missense variant.
Genome position (GRCh38, 1-based): chr16:53,692,362, A>G on the plus strand (T>C on the coding strand, the complement: RPGRIP1L is on the minus strand). VCF-style: chr16-53692362-A-G. GRCh37 (hg19) VCF-style: chr16-53726274-A-G.
Other names: c.233T>C, p.Met78Thr (NM_001127897.4, NM_001308334.3, NM_001330538.2); c.233T>C (NM_015272.2); short protein forms M78T.
Identifiers: ClinVar variation 3356166 (VCV003356166.5).

ClinVar aggregate classification (germline): Uncertain significance. Review status: criteria provided, multiple submitters, no conflicts (2 of 4 stars). 4 submissions from 4 submitters: Uncertain significance (3). 1 of the submissions does not count toward it. Last evaluated 2025-11-13.

Conditions:
Joubert syndrome 7 (JBTS7). Identifiers: Orphanet 220497, MedGen C1969053, MONDO:0012694, OMIM 611560.
Meckel syndrome, type 5 (MKS5). Identifiers: Orphanet 564, MedGen C1969052, MONDO:0012695, OMIM 611561.
COACH syndrome 3. Identifiers: MedGen C5436841, MONDO:0030862, OMIM 619113.
RPGRIP1L-related disorder. Also called: RPGRIP1L-related condition; RPGRIP1L-related disorders. Identifiers: MedGen CN239416.
Inborn genetic diseases. Identifiers: MedGen C0950123, MeSH D030342.
Joubert syndrome. Also called: JOUBERT-BOLTSHAUSER SYNDROME; Familial aplasia of the vermis. Identifiers: Orphanet 475, MedGen C5979921, MONDO:0018772.
Meckel-Gruber syndrome. Also called: DYSENCEPHALIA SPLANCHNOCYSTICA; GRUBER SYNDROME; Dysencephalia splachnocystica. Identifiers: Orphanet 564, MedGen C0265215, MONDO:0018921.

gnomAD v4.1: 27 of 1,613,576 alleles (0.0017%); highest among the groups gnomAD compares: Non-Finnish European, 0.0016%; no homozygotes.

Submissions (4):

Ambry Genetics
Classification: Uncertain significance for Inborn genetic diseases. Last evaluated: 2025-11-13. Review status: criteria provided, single submitter. Criteria: Ambry Variant Classification Scheme 2023. Collection method: clinical testing. Allele origin: germline.

Labcorp Genetics (formerly Invitae), Labcorp
Classification: Uncertain significance for Joubert syndrome; Meckel-Gruber syndrome. Last evaluated: 2024-10-24. Review status: criteria provided, single submitter. Criteria: Invitae Variant Classification Sherloc (09022015). Collection method: clinical testing. Allele origin: germline.
Comment: This sequence change replaces methionine, which is neutral and non-polar, with threonine, which is neutral and polar, at codon 78 of the RPGRIP1L protein (p.Met78Thr). This variant is present in population databases (no rsID available, gnomAD 0.002%). This variant has not been reported in the literature in individuals affected with RPGRIP1L-related conditions. An algorithm developed to predict the effect of missense changes on protein structure and function (PolyPhen-2) suggests that this variant is likely to be disruptive. In summary, the available evidence is currently insufficient to determine the role of this variant in disease. Therefore, it has been classified as a Variant of Uncertain Significance.

Fulgent Genetics
Classification: Uncertain significance for Joubert syndrome 7; Meckel syndrome, type 5; COACH syndrome 3. Last evaluated: 2024-05-21. Review status: criteria provided, single submitter. Criteria: ACMG Guidelines, 2015. Collection method: clinical testing. Allele origin: germline.

PreventionGenetics, part of Exact Sciences
Classification: Uncertain significance for RPGRIP1L-related condition. Last evaluated: 2024-01-01. Review status: no assertion criteria provided. Collection method: clinical testing. Allele origin: germline. Not counted in ClinVar's aggregate classification.
Comment: The RPGRIP1L c.233T>C variant is predicted to result in the amino acid substitution p.Met78Thr. To our knowledge, this variant has not been reported in the literature. This variant is reported in 0.0018% of alleles in individuals of European (Non-Finnish) descent in gnomAD. At this time, the clinical significance of this variant is uncertain due to the absence of conclusive functional and genetic evidence.